The following is an entry in ClinVar:

NM_000455.5(STK11):c.823C>T (p.Pro275Ser)

Gene: STK11 (serine/threonine kinase 11; plus strand). Cytogenetic location: 19p13.3.
Variant type: single nucleotide variant.
Coding change: c.823C>T on transcript NM_000455.5 (MANE Select); coding-DNA position 823, C replaced by T.
Protein change: p.Pro275Ser; replaces proline 275 with serine.
Molecular consequence: missense variant.
Genome position (GRCh38, 1-based): chr19:1,221,301, C>T. VCF-style: chr19-1221301-C-T. GRCh37 (hg19) VCF-style: chr19-1221300-C-T.
Other names: short protein forms P275S.
Identifiers: ClinVar variation 1485942 (VCV001485942.6), dbSNP rs2145427115, ClinGen allele CA402950642.
Genomic context (GRCh38, chr19:1,221,301, plus strand): 5'-TTCGAAGGGGACAACATCTACAAGTTGTTTGAGAACATCGGGAAGGGGAGCTACGCCATC[C>T]CGGGCGACTGTGGCCCCCCGCTCTCTGACCTGCTGAAAGGTGGGAGCCTCATCCCTCTGC-3'
Protein context (NP_000446.1, residues 265-285): ENIGKGSYAI[Pro275Ser]GDCGPPLSDL

ClinVar aggregate classification (germline): Uncertain significance (1 of 4 stars; one submission).

Conditions:
Peutz-Jeghers syndrome (PJS). Also called: Peutz-Jeghers polyposis; Periorificial lentiginosis syndrome; POLYPOSIS, HAMARTOMATOUS INTESTINAL; POLYPS-AND-SPOTS SYNDROME. Identifiers: Orphanet 2869, MedGen C0031269, MeSH D010580, MONDO:0008280, OMIM 175200.

Submission:

Labcorp Genetics (formerly Invitae), Labcorp
Classification: Uncertain significance for Peutz-Jeghers syndrome. Last evaluated: 2022-04-29. Review status: criteria provided, single submitter. Criteria: Invitae Variant Classification Sherloc (09022015). Collection method: clinical testing. Allele origin: germline.
Comment: This sequence change replaces proline, which is neutral and non-polar, with serine, which is neutral and polar, at codon 275 of the STK11 protein (p.Pro275Ser). This variant is not present in population databases (gnomAD no frequency). This variant has not been reported in the literature in individuals affected with STK11-related conditions. Advanced modeling of protein sequence and biophysical properties (such as structural, functional, and spatial information, amino acid conservation, physicochemical variation, residue mobility, and thermodynamic stability) performed at Invitae indicates that this missense variant is expected to disrupt STK11 protein function. In summary, the available evidence is currently insufficient to determine the role of this variant in disease. Therefore, it has been classified as a Variant of Uncertain Significance.